The following is an entry in ClinVar:

NM_006662.3(SRCAP):c.4105A>G (p.Thr1369Ala)

Gene: SRCAP (Snf2 related CREBBP activator protein; plus strand). Cytogenetic location: 16p11.2.
Variant type: single nucleotide variant.
Coding change: c.4105A>G on transcript NM_006662.3 (MANE Select); coding-DNA position 4105, A replaced by G.
Protein change: p.Thr1369Ala; replaces threonine 1369 with alanine.
Molecular consequence: missense variant.
Genome position (GRCh38, 1-based): chr16:30,723,175, A>G. VCF-style: chr16-30723175-A-G. GRCh37 (hg19) VCF-style: chr16-30734496-A-G.
Other names: short protein forms T1369A.
Identifiers: ClinVar variation 497426 (VCV000497426.13), dbSNP rs751529827, ClinGen allele CA8011665.

ClinVar aggregate classification (germline): Conflicting classifications of pathogenicity. Review status: criteria provided, conflicting classifications (1 of 4 stars). 4 submissions from 4 submitters: Uncertain significance (1); Likely benign (3). Last evaluated 2026-09-01.

Allele frequency attached by ClinVar (database versions not stated): TOPMed 0.00007; gnomAD 0.00008 and 0.00007; ExAC 0.00010; gnomAD exomes 0.00011.
gnomAD v4.1: 169 of 1,613,168 alleles (0.01%); highest among the groups gnomAD compares: Middle Eastern, 0.082%; 1 homozygote.

Submissions (4):

CeGaT Center for Human Genetics Tuebingen
Classification: Likely benign. Last evaluated: 2026-09-01. Review status: criteria provided, single submitter. Criteria: CeGaT Center For Human Genetics Tuebingen Variant Classification Criteria Version 2. Collection method: clinical testing. Allele origin: germline. Affected: yes. Observed: 1 variant allele.
Comment: SRCAP: BP4, BS2

Labcorp Genetics (formerly Invitae), Labcorp
Classification: Uncertain significance. Last evaluated: 2026-01-28. Review status: criteria provided, single submitter. Criteria: Invitae Variant Classification Sherloc (09022015). Collection method: clinical testing. Allele origin: germline.
Comment: This sequence change replaces threonine, which is neutral and polar, with alanine, which is neutral and non-polar, at codon 1369 of the SRCAP protein (p.Thr1369Ala). This variant is present in population databases (rs751529827, gnomAD 0.02%). This variant has not been reported in the literature in individuals affected with SRCAP-related conditions. ClinVar contains an entry for this variant (Variation ID: 497426). Invitae Evidence Modeling of protein sequence and biophysical properties (such as structural, functional, and spatial information, amino acid conservation, physicochemical variation, residue mobility, and thermodynamic stability) indicates that this missense variant is not expected to disrupt SRCAP protein function with a negative predictive value of 80%. In summary, the available evidence is currently insufficient to determine the role of this variant in disease. Therefore, it has been classified as a Variant of Uncertain Significance.

Laboratory of Genetics, Children's Clinical University Hospital Latvia
Classification: Likely benign. Last evaluated: 2025-02-16. Review status: criteria provided, single submitter. Criteria: ACMG Guidelines, 2015. Collection method: clinical testing. Allele origin: germline. Affected: yes.

Eurofins Ntd Llc (ga)
Classification: Likely benign. Last evaluated: 2017-02-01. Review status: criteria provided, single submitter. Criteria: EGL Classification Definitions 2015. Collection method: clinical testing. Allele origin: germline. Observed: 2 variant alleles, 2 heterozygotes.